The following is an entry in ClinVar:

ClinVar aggregate classification (germline): Uncertain significance. Review status: criteria provided, multiple submitters, no conflicts (2 of 4 stars). 2 submissions from 2 submitters: Uncertain significance (2). Last evaluated 2025-12-15.

Allele frequency attached by ClinVar (database versions not stated): ExAC 0.00001; gnomAD 0.00005 and 0.00006; TOPMed 0.00007; ESP Exome Variant Server 0.00008.
gnomAD v4.1: 145 of 1,611,982 alleles (0.009%); highest among the groups gnomAD compares: Non-Finnish European, 0.012%; no homozygotes.

Submissions (2):

Labcorp Genetics (formerly Invitae), Labcorp
Classification: Uncertain significance. Last evaluated: 2025-12-15. Review status: criteria provided, single submitter. Criteria: Invitae Variant Classification Sherloc (09022015). Collection method: clinical testing. Allele origin: germline.
Comment: This sequence change replaces alanine, which is neutral and non-polar, with serine, which is neutral and polar, at codon 308 of the CA4 protein (p.Ala308Ser). This variant is present in population databases (rs376414377, gnomAD 0.01%). This variant has not been reported in the literature in individuals affected with CA4-related conditions. ClinVar contains an entry for this variant (Variation ID: 847422). An algorithm developed to predict the effect of missense changes on protein structure and function (PolyPhen-2) suggests that this variant is likely to be tolerated. In summary, the available evidence is currently insufficient to determine the role of this variant in disease. Therefore, it has been classified as a Variant of Uncertain Significance.

Ambry Genetics
Classification: Uncertain significance. Last evaluated: 2025-11-11. Review status: criteria provided, single submitter. Criteria: Ambry Variant Classification Scheme 2023. Collection method: clinical testing. Allele origin: germline.

NM_000717.5(CA4):c.922G>T (p.Ala308Ser)

Gene: CA4 (carbonic anhydrase 4; plus strand). Cytogenetic location: 17q23.1.
Variant type: single nucleotide variant.
Coding change: c.922G>T on transcript NM_000717.5 (MANE Select); coding-DNA position 922, G replaced by T.
Protein change: p.Ala308Ser; replaces alanine 308 with serine.
Molecular consequence: missense variant. On other transcripts: non-coding transcript variant (1).
Genome position (GRCh38, 1-based): chr17:60,159,407, G>T. VCF-style: chr17-60159407-G-T. GRCh37 (hg19) VCF-style: chr17-58236768-G-T.
Other names: c.922G>T (NM_000717.3); short protein forms A308S.
Identifiers: ClinVar variation 847422 (VCV000847422.11), dbSNP rs376414377, ClinGen allele CA8685572.